The following is an entry in ClinVar:

ClinVar aggregate classification (germline): Benign/Likely benign. Review status: criteria provided, multiple submitters, no conflicts (2 of 4 stars). 10 submissions from 9 submitters: Benign (7); Likely benign (1). 2 of the submissions do not count toward it. Last evaluated 2026-02-04.

Conditions:
Achromatopsia. Also called: Rod monochromatism. Identifiers: Orphanet 49382, MedGen C0152200, MONDO:0018852, HP:0011516.
Cone dystrophy 4 (COD4). Identifiers: Orphanet 49382, MedGen C2751308, MONDO:0013129, OMIM 613093.

Allele frequency attached by ClinVar (database versions not stated): 1000 Genomes Project 30x 0.72205; TOPMed 0.72570; 1000 Genomes Project 0.72883; gnomAD 0.73216 and 0.73340; gnomAD exomes 0.73294 and 0.74971; ESP Exome Variant Server 0.73751; ExAC 0.73967.
gnomAD v4.1: 1,201,337 of 1,605,934 alleles (75%); highest among the groups gnomAD compares: South Asian, 83%; 450,883 homozygotes.

Submissions (10):

Labcorp Genetics (formerly Invitae), Labcorp
Classification: Benign. Last evaluated: 2026-02-04. Review status: criteria provided, single submitter. Criteria: Invitae Variant Classification Sherloc (09022015). Collection method: clinical testing. Allele origin: germline.

Blueprint Genetics
Classification: Likely benign. Last evaluated: 2024-11-27. Review status: criteria provided, single submitter. Criteria: ACMG Guidelines, 2015. Collection method: clinical testing. Allele origin: germline.

Genome-Nilou Lab
Classification: Benign for Cone dystrophy 4. Last evaluated: 2021-09-05. Review status: criteria provided, single submitter. Criteria: ACMG Guidelines, 2015. Collection method: clinical testing. Allele origin: germline. Affected: no.

Illumina Laboratory Services, Illumina
Classification: Benign for Achromatopsia. Last evaluated: 2018-01-13. Review status: criteria provided, single submitter. Criteria: ICSL Variant Classification Criteria 13 December 2019. Collection method: clinical testing. Allele origin: germline.
Comment: This variant was observed in the ICSL laboratory as part of a predisposition screen in an ostensibly healthy population. It had not been previously curated by ICSL or reported in the Human Gene Mutation Database (HGMD: prior to June 1st, 2018), and was therefore a candidate for classification through an automated scoring system. Utilizing variant allele frequency, disease prevalence and penetrance estimates, and inheritance mode, an automated score was calculated to assess if this variant is too frequent to cause the disease. Based on the score and internal cut-off values, a variant classified as benign is not then subjected to further curation. The score for this variant resulted in a classification of benign for this disease.

Illumina Laboratory Services, Illumina
Classification: Benign for Cone dystrophy 4. Last evaluated: 2018-01-13. Review status: criteria provided, single submitter. Criteria: ICSL Variant Classification Criteria 13 December 2019. Collection method: clinical testing. Allele origin: germline.
Comment: the same text as in the submission from Illumina Laboratory Services, Illumina above.

GeneDx
Classification: Benign. Last evaluated: 2015-03-03. Review status: criteria provided, single submitter. Criteria: GeneDx Variant Classification Process June 2021. Collection method: clinical testing. Allele origin: germline. Affected: yes.

Breakthrough Genomics
Classification: Benign. Review status: criteria provided, single submitter. Criteria: ACMG Guidelines, 2015. Collection method: not provided. Allele origin: germline. Inheritance: Autosomal recessive inheritance. Affected: yes.

PreventionGenetics, part of Exact Sciences
Classification: Benign. Review status: criteria provided, single submitter. Criteria: ACMG Guidelines, 2015. Collection method: clinical testing. Allele origin: germline.

Diagnostic Laboratory, Department of Genetics, University Medical Center Groningen
Classification: Benign. Review status: no assertion criteria provided. Collection method: clinical testing. Allele origin: germline. Affected: yes. Study: VKGL Data-share Consensus. Not counted in ClinVar's aggregate classification.

Joint Genome Diagnostic Labs from Nijmegen and Maastricht, Radboudumc and MUMC+
Classification: Benign. Review status: no assertion criteria provided. Collection method: clinical testing. Allele origin: germline. Affected: yes. Study: VKGL Data-share Consensus. Not counted in ClinVar's aggregate classification.

NM_006204.4(PDE6C):c.1270-7A>G

Gene: PDE6C (phosphodiesterase 6C; plus strand). Cytogenetic location: 10q23.33.
Variant type: single nucleotide variant.
Coding change: c.1270-7A>G on transcript NM_006204.4 (MANE Select); 7 bases into the intron before coding-DNA position 1270, A replaced by G.
Molecular consequence: intron variant.
Genome position (GRCh38, 1-based): chr10:93,635,490, A>G. VCF-style: chr10-93635490-A-G. GRCh37 (hg19) VCF-style: chr10-95395247-A-G.
Identifiers: ClinVar variation 259940 (VCV000259940.24), dbSNP rs616522, ClinGen allele CA5610141.